The following is an entry in ClinVar:

NM_006766.5(KAT6A):c.5123del (p.Asn1708fs)

Gene: KAT6A (lysine acetyltransferase 6A; minus strand). Cytogenetic location: 8p11.21.
Variant type: Deletion.
Coding change: c.5123del on transcript NM_006766.5 (MANE Select); coding-DNA position 5123, one base deleted (A; older notation c.5123delA).
Protein change: p.Asn1708fs; shifts the reading frame from asparagine 1708.
Molecular consequence: frameshift variant.
Genome position (GRCh38, 1-based): chr8:41,933,097, T deleted on the plus strand (A on the coding strand, the reverse complement: KAT6A is on the minus strand); the first of 2 consecutive T bases (chr8:41,933,097-41,933,098); deleting either gives the same sequence. VCF-style (leftmost placement, unchanged base first): chr8-41933096-AT-A. GRCh37 (hg19) VCF-style: chr8-41790614-AT-A.
Other names: short protein forms N1708fs.
Identifiers: ClinVar variation 1333695 (VCV001333695.1), dbSNP rs2150855326, ClinGen allele CA2573053018.
Genomic context (GRCh38, chr8:41,933,096, plus strand): 5'-GTTCCCAGTGCTTCCAGATTCTGGTATCTCCATGATCATAGGAGCTGGGGTGAAACTGTT[AT>A]TCATACTACACTGTGACAGCGGGGGCTGCTGCTGGGGAGGGGGTGGGGGTGGAGGCTGCT-3'

ClinVar aggregate classification (germline): Likely pathogenic (1 of 4 stars; one submission).

Conditions:
Autosomal dominant intellectual disability-craniofacial anomalies-cardiac defects syndrome (ARTHS). Also called: Mental retardation, autosomal dominant 32; KAT6A syndrome; Arboleda-Tham syndrome. Identifiers: Orphanet 457193, MedGen C4225396, MONDO:0014558, OMIM 616268.

Submission:

3billion
Classification: Likely pathogenic for Autosomal dominant intellectual disability-craniofacial anomalies-cardiac defects syndrome. Last evaluated: 2022-01-03. Review status: criteria provided, single submitter. Criteria: ACMG Guidelines, 2015. Collection method: clinical testing. Allele origin: germline. Affected: yes. Observed: 1 heterozygote.
Comment: Frameshift: predicted to result in a loss or disruption of normal protein function through protein truncation. The predicted truncated protein may be shortened by more than 10% (PVS1_S). It is not observed in the gnomAD v2.1.1 dataset (PM2_M). Therefore, this variant is classified as likely pathogenic according to the recommendation of ACMG/AMP guideline.